The following is an entry in ClinVar:

NM_000051.4(ATM):c.3485T>G (p.Leu1162Ter)

Gene: ATM (ATM serine/threonine kinase; plus strand). Cytogenetic location: 11q22.3.
Variant type: single nucleotide variant.
Coding change: c.3485T>G on transcript NM_000051.4 (MANE Select); coding-DNA position 3485, T replaced by G.
Protein change: p.Leu1162Ter; replaces leucine 1162 with a stop codon.
Molecular consequence: nonsense.
Genome position (GRCh38, 1-based): chr11:108,281,077, T>G. VCF-style: chr11-108281077-T-G. GRCh37 (hg19) VCF-style: chr11-108151804-T-G.
Other names: c.3485T>G, p.Leu1162Ter (NM_001351834.2); short protein forms L1162*.
Identifiers: ClinVar variation 802751 (VCV000802751.18), dbSNP rs1591636613, ClinGen allele CA382519550.

ClinVar aggregate classification (germline): Pathogenic/Likely pathogenic. Review status: criteria provided, multiple submitters, no conflicts (2 of 4 stars). 9 submissions from 9 submitters: Pathogenic (8); Likely pathogenic (1). Last evaluated 2026-08-06.

Conditions:
ATM-related cancer predisposition. Also called: ATM-related cancer susceptibility. Identifiers: MedGen CN377759, MONDO:0700270.
Familial cancer of breast. Also called: hereditary breast carcinoma; Hereditary breast cancer; BREAST CANCER, FAMILIAL. Identifiers: Orphanet 227535, MedGen C0346153, MONDO:0016419, OMIM 114480. Disease mechanism: loss of function.
Hereditary cancer-predisposing syndrome. Also called: Hereditary Cancer Syndrome; Tumor predisposition; Hereditary neoplastic syndrome; Neoplastic Syndromes, Hereditary. Identifiers: Orphanet 140162, MedGen C0027672, MeSH D009386, MONDO:0015356.
Ataxia-telangiectasia syndrome (AT). Also called: Ataxia-telangiectasia, complementation group E; Ataxia telangiectasia (A-T); LOUIS-BAR SYNDROME; Ataxia-telangiectasia, complementation group D; AT, COMPLEMENTATION GROUP C; ATAXIA-TELANGIECTASIA, COMPLEMENTATION GROUP A. Identifiers: Orphanet 100, MedGen C0004135, MONDO:0008840, OMIM 208900.

Submissions (9):

OLLIN Analises Genomicas, OLLIN
Classification: Likely pathogenic for Familial cancer of breast. Last evaluated: 2026-08-06. Review status: criteria provided, single submitter. Criteria: ACMG Guidelines 2015 PMID 25741868. Collection method: clinical testing. Allele origin: germline. Inheritance: Autosomal recessive inheritance.
Comment: This nonsense variant, located in exon 24 (of 63), is absent from gnomAD and has not been identified in the literature. However, it has been reported in ClinVar (accession VCV000802751.17). This variant introduces a premature stop codon, which is predicted to result in either a truncated protein or degradation of the mRNA via nonsense-mediated decay (NMD). According to the currently available evidence, this variant has been classified as likely pathogenic (PVS1, PM2_P).

Dasa
Classification: Pathogenic for ATM-related cancer predisposition. Last evaluated: 2026-02-23. Review status: criteria provided, single submitter. Criteria: DASA Assertion Criteria. Collection method: clinical testing. Allele origin: germline.
Comment: NM_000051.4(ATM):c.3485T>G (p.Leu1162*) introduces a premature termination codon predicted to result in loss of normal protein function. Loss-of-function is an established mechanism of disease for this gene. This variant has been recurrently observed in individuals with ATM-related cancer predisposition (PMID: 10330348; PMID: 12815592). Based on the available data, this variant is classified as pathogenic.

Labcorp Genetics (formerly Invitae), Labcorp
Classification: Pathogenic for Ataxia-telangiectasia syndrome. Last evaluated: 2025-04-17. Review status: criteria provided, single submitter. Criteria: Invitae Variant Classification Sherloc (09022015). Collection method: clinical testing. Allele origin: germline.
Comment: This sequence change creates a premature translational stop signal (p.Leu1162*) in the ATM gene. It is expected to result in an absent or disrupted protein product. Loss-of-function variants in ATM are known to be pathogenic (PMID: 23807571, 25614872). This variant is not present in population databases (gnomAD no frequency). This premature translational stop signal has been observed in individual(s) with ataxia-telangiectasia (PMID: 10330348, 12815592). ClinVar contains an entry for this variant (Variation ID: 802751). For these reasons, this variant has been classified as Pathogenic.

Quest Diagnostics Nichols Institute San Juan Capistrano
Classification: Pathogenic. Last evaluated: 2025-01-10. Review status: criteria provided, single submitter. Criteria: Quest Diagnostics criteria. Collection method: clinical testing. Allele origin: unknown.
Comment: The ATM c.3485T>G (p.Leu1162*) variant causes the premature termination of ATM protein synthesis. This variant has been reported in the published literature in individuals with breast cancer (PMID: 35534704 (2022)) and ataxia-telangiectasia (PMID: 12815592 (2003), 10330348 (1999)). This variant has not been reported in large, multi-ethnic general populations (Genome Aggregation Database). Based on the available information, this variant is classified as pathogenic.

Ambry Genetics
Classification: Pathogenic for Hereditary cancer-predisposing syndrome. Last evaluated: 2024-06-21. Review status: criteria provided, single submitter. Criteria: Ambry Variant Classification Scheme 2023. Collection method: clinical testing. Allele origin: germline.
Comment: The p.L1162* pathogenic mutation (also known as c.3485T>G), located in coding exon 23 of the ATM gene, results from a T to G substitution at nucleotide position 3485. This changes the amino acid from a leucine to a stop codon within coding exon 23. This mutation has been detected with another ATM mutation in at least one individual with Ataxia-Telangiectasia (Teraoka SN et al. Am. J. Hum. Genet. 1999 Jun;64:1617-31; Buzin CH et al. Hum. Mutat. 2003 Feb;21:123-31; Mitui M et al. Hum. Mutat. 2003 Jul;22:43-50; Coutinho G et al. Am. J. Med. Genet. A. 2004 Apr;126A:33-40). This variant is considered to be rare based on population cohorts in the Genome Aggregation Database (gnomAD). In addition to the clinical data presented in the literature, this alteration is expected to result in loss of function by premature protein truncation or nonsense-mediated mRNA decay. As such, this alteration is interpreted as a disease-causing mutation.

Myriad Genetics, Inc.
Classification: Pathogenic for Familial cancer of breast. Last evaluated: 2024-01-22. Review status: criteria provided, single submitter. Criteria: Myriad Autosomal Dominant, Autosomal Recessive and X-Linked Classification Criteria (2023). Collection method: clinical testing. Allele origin: unknown.
Comment: This variant is considered pathogenic. This variant creates a termination codon and is predicted to result in premature protein truncation.

Baylor Genetics
Classification: Pathogenic for Familial cancer of breast. Last evaluated: 2022-10-04. Review status: criteria provided, single submitter. Criteria: ACMG Guidelines, 2015. Collection method: clinical testing. Allele origin: unknown.

Mendelics
Classification: Pathogenic for Ataxia-telangiectasia syndrome. Last evaluated: 2019-05-28. Review status: criteria provided, single submitter. Criteria: Mendelics Assertion Criteria 2017. Collection method: clinical testing. Allele origin: unknown.

Genesis Genomics
Classification: Pathogenic for Familial cancer of breast. Review status: criteria provided, single submitter. Criteria: ACMG Guidelines, 2015. Collection method: clinical testing. Allele origin: germline. Affected: yes. Observed: 1 variant allele.

Literature cited by the submitters: PubMed 10330348 (cited by 3 submitters); PubMed 12815592 (cited by 3 submitters); PubMed 23807571 (cited by Labcorp Genetics (formerly Invitae), Labcorp); PubMed 25614872 (cited by Labcorp Genetics (formerly Invitae), Labcorp); PubMed 12552559 (cited by Ambry Genetics); PubMed 15039971 (cited by Ambry Genetics).